The following is an entry in ClinVar:

ClinVar aggregate classification (germline): Uncertain significance (1 of 4 stars; one submission).

Conditions:
Glanzmann thrombasthenia. Also called: BLEEDING DISORDER, PLATELET-TYPE, 2; THROMBASTHENIA OF GLANZMANN AND NAEGELI; PLATELET GLYCOPROTEIN IIb-IIIa DEFICIENCY; Glanzmann's thrombasthenia; Thrombasthenia. Identifiers: Orphanet 849, MedGen C0040015, MONDO:0100326.

Submission:

Labcorp Genetics (formerly Invitae), Labcorp
Classification: Uncertain significance for Glanzmann thrombasthenia. Last evaluated: 2025-12-03. Review status: criteria provided, single submitter. Criteria: Invitae Variant Classification Sherloc (09022015). Collection method: clinical testing. Allele origin: germline.
Comment: This sequence change replaces valine, which is neutral and non-polar, with leucine, which is neutral and non-polar, at codon 791 of the ITGA2B protein (p.Val791Leu). This variant is not present in population databases (gnomAD no frequency). This variant has not been reported in the literature in individuals affected with ITGA2B-related conditions. An algorithm developed to predict the effect of missense changes on protein structure and function outputs the following: PolyPhen-2: "Benign". The leucine amino acid residue is found in multiple mammalian species, which suggests that this missense change does not adversely affect protein function. In summary, the available evidence is currently insufficient to determine the role of this variant in disease. Therefore, it has been classified as a Variant of Uncertain Significance.

NM_000419.5(ITGA2B):c.2371G>T (p.Val791Leu)

Gene: ITGA2B (integrin subunit alpha 2b; minus strand). Cytogenetic location: 17q21.31.
Variant type: single nucleotide variant.
Coding change: c.2371G>T on transcript NM_000419.5 (MANE Select); coding-DNA position 2371, G replaced by T.
Protein change: p.Val791Leu; replaces valine 791 with leucine.
Molecular consequence: missense variant.
Genome position (GRCh38, 1-based): chr17:44,376,162, C>A on the plus strand (G>T on the coding strand, the complement: ITGA2B is on the minus strand). VCF-style: chr17-44376162-C-A. GRCh37 (hg19) VCF-style: chr17-42453530-C-A.
Other names: short protein forms V791L.
Identifiers: ClinVar variation 4747523 (VCV004747523.1).
Genomic context (GRCh38, chr17:44,376,162, plus strand): 5'-CTTTGGGTCCCCAGCTGTCCAAGCTGTTCTGCTCCCTCTCACCTTCTTCTGCTGCCACCA[C>A]CAGGGAGGCTGGAAAGGAGTTCCTGCAGGTGCCCAAGACCCCCAGAGAGAGTGTGATGCC-3'
Protein context (NP_000410.2, residues 781-801): LRGNSFPASL[Val791Leu]VAAEEGEREQ